The following is an entry in ClinVar:

ClinVar aggregate classification (germline): Benign (0 of 4 stars; one submission).

Conditions:
AKIRIN1-related disorder. Also called: AKIRIN1-related condition.

Allele frequency attached by ClinVar (database versions not stated): 1000 Genomes Project 0.22544; 1000 Genomes Project 30x 0.22642; ExAC 0.32140; TOPMed 0.32501; gnomAD 0.33797; ESP Exome Variant Server 0.34945.
gnomAD v4.1: 580,745 of 1,602,252 alleles (36%); highest among the groups gnomAD compares: Non-Finnish European, 40%; 110,966 homozygotes.

Submission:

PreventionGenetics, part of Exact Sciences
Classification: Benign for AKIRIN1-related condition. Last evaluated: 2019-10-21. Review status: no assertion criteria provided. Collection method: clinical testing. Allele origin: germline.
Comment: This variant is classified as benign based on ACMG/AMP sequence variant interpretation guidelines (Richards et al. 2015 PMID: 25741868, with internal and published modifications).

NM_024595.3(AKIRIN1):c.496+8C>G

Gene: AKIRIN1 (akirin 1; plus strand). Cytogenetic location: 1p34.3.
Variant type: single nucleotide variant.
Coding change: c.496+8C>G on transcript NM_024595.3 (MANE Select); 8 bases into the intron after coding-DNA position 496, C replaced by G.
Molecular consequence: intron variant.
Genome position (GRCh38, 1-based): chr1:39,001,114, C>G. VCF-style: chr1-39001114-C-G. GRCh37 (hg19) VCF-style: chr1-39466786-C-G.
Other names: c.362-2233C>G (NM_001136275.2).
Identifiers: ClinVar variation 3055615 (VCV003055615.2), dbSNP rs10888613, ClinGen allele CA778790.